The following is an entry in ClinVar:

NM_016373.4(WWOX):c.704G>T (p.Gly235Val)

Gene: WWOX (WW domain containing oxidoreductase; plus strand). Cytogenetic location: 16q23.1.
Variant type: single nucleotide variant.
Coding change: c.704G>T on transcript NM_016373.4 (MANE Select); coding-DNA position 704, G replaced by T.
Protein change: p.Gly235Val; replaces glycine 235 with valine.
Molecular consequence: missense variant.
Genome position (GRCh38, 1-based): chr16:78,424,968, G>T. VCF-style: chr16-78424968-G-T. GRCh37 (hg19) VCF-style: chr16-78458865-G-T.
Other names: c.365G>T, p.Gly122Val (NM_001291997.2); short protein forms G122V, G235V.
Identifiers: ClinVar variation 1063363 (VCV001063363.9), dbSNP rs1169887175, ClinGen allele CA396842855.

ClinVar aggregate classification (germline): Uncertain significance (1 of 4 stars; one submission).

Conditions:
Autosomal recessive spinocerebellar ataxia 12. Also called: SPINOCEREBELLAR ATAXIA WITH MENTAL RETARDATION AND EPILEPSY. Identifiers: Orphanet 284282, MedGen C3280452, MONDO:0013687, OMIM 614322.
Developmental and epileptic encephalopathy, 1 (DEE1). Also called: X-linked infantile spasms; West's syndrome; Tonic spasms with clustering, arrest of psychomotor development and hypsarrhythmia on EEG; X-Linked Infantile Spasm Syndrome; OHTAHARA SYNDROME, X-LINKED; Epileptic encephalopathy, early infantile, 1. Identifiers: MedGen C3463992, MONDO:0010632, OMIM 308350. Disease mechanism: loss of function.

Allele frequency attached by ClinVar (database versions not stated): TOPMed below 0.00001; gnomAD 0.00001; gnomAD exomes 0.00001.
gnomAD v4.1: 49 of 1,613,898 alleles (0.003%); highest among the groups gnomAD compares: Non-Finnish European, 0.0042%; no homozygotes.

Submission:

Labcorp Genetics (formerly Invitae), Labcorp
Classification: Uncertain significance for Developmental and epileptic encephalopathy, 1; Autosomal recessive spinocerebellar ataxia 12. Last evaluated: 2022-04-29. Review status: criteria provided, single submitter. Criteria: Invitae Variant Classification Sherloc (09022015). Collection method: clinical testing. Allele origin: germline.
Comment: In summary, the available evidence is currently insufficient to determine the role of this variant in disease. Therefore, it has been classified as a Variant of Uncertain Significance. Algorithms developed to predict the effect of missense changes on protein structure and function are either unavailable or do not agree on the potential impact of this missense change (SIFT: "Not Available"; PolyPhen-2: "Probably Damaging"; Align-GVGD: "Not Available"). ClinVar contains an entry for this variant (Variation ID: 1063363). This missense change has been observed in individual(s) with clinical features of epileptic encephalopathy (Invitae). In at least one individual the data is consistent with being in trans (on the opposite chromosome) from a pathogenic variant. This variant is present in population databases (no rsID available, gnomAD 0.003%). This sequence change replaces glycine, which is neutral and non-polar, with valine, which is neutral and non-polar, at codon 235 of the WWOX protein (p.Gly235Val).